The following is an entry in ClinVar:

ClinVar aggregate classification (germline): Uncertain significance (1 of 4 stars; one submission).

Allele frequency attached by ClinVar (database versions not stated): ExAC 0.00002.

Submission:

Labcorp Genetics (formerly Invitae), Labcorp
Classification: Uncertain significance. Last evaluated: 2022-06-28. Review status: criteria provided, single submitter. Criteria: Invitae Variant Classification Sherloc (09022015). Collection method: clinical testing. Allele origin: germline.
Comment: In summary, the available evidence is currently insufficient to determine the role of this variant in disease. Therefore, it has been classified as a Variant of Uncertain Significance. Algorithms developed to predict the effect of missense changes on protein structure and function are either unavailable or do not agree on the potential impact of this missense change (SIFT: "Deleterious"; PolyPhen-2: "Benign"; Align-GVGD: "Class C15"). ClinVar contains an entry for this variant (Variation ID: 1043058). This variant has not been reported in the literature in individuals affected with CACNA2D4-related conditions. This variant is present in population databases (rs752639118, gnomAD 0.002%). This sequence change replaces aspartic acid, which is acidic and polar, with asparagine, which is neutral and polar, at codon 482 of the CACNA2D4 protein (p.Asp482Asn).

NM_172364.5(CACNA2D4):c.1444G>A (p.Asp482Asn)

Gene: CACNA2D4 (calcium voltage-gated channel auxiliary subunit alpha2delta 4; minus strand). Cytogenetic location: 12p13.33.
Variant type: single nucleotide variant.
Coding change: c.1444G>A on transcript NM_172364.5 (MANE Select); coding-DNA position 1444, G replaced by A.
Protein change: p.Asp482Asn; replaces aspartic acid 482 with asparagine.
Molecular consequence: missense variant.
Genome position (GRCh38, 1-based): chr12:1,882,908, C>T on the plus strand (G>A on the coding strand, the complement: CACNA2D4 is on the minus strand). VCF-style: chr12-1882908-C-T. GRCh37 (hg19) VCF-style: chr12-1992074-C-T.
Other names: short protein forms D482N.
Identifiers: ClinVar variation 1043058 (VCV001043058.6), dbSNP rs752639118, ClinGen allele CA6387130.